The following is an entry in ClinVar:

NM_001356.5(DDX3X):c.1462C>T (p.Arg488Cys)

Gene: DDX3X (DEAD-box helicase 3 X-linked; plus strand). Cytogenetic location: Xp11.4.
Variant type: single nucleotide variant.
Coding change: c.1462C>T on transcript NM_001356.5 (MANE Select); coding-DNA position 1462, C replaced by T.
Protein change: p.Arg488Cys; replaces arginine 488 with cysteine.
Molecular consequence: missense variant. On other transcripts: non-coding transcript variant (1).
Genome position (GRCh38, 1-based): chrX:41,346,375, C>T. VCF-style: chrX-41346375-C-T. GRCh37 (hg19) VCF-style: chrX-41205628-C-T.
Other names: c.1462C>T, p.Arg488Cys (NM_001193416.3); c.1414C>T, p.Arg472Cys (NM_001193417.3); c.904C>T, p.Arg302Cys (NM_001363819.1); short protein forms R488C, R472C, R302C.
Identifiers: ClinVar variation 207816 (VCV000207816.18), dbSNP rs796052234, ClinGen allele CA319640.

ClinVar aggregate classification (germline): Pathogenic/Likely pathogenic. Review status: criteria provided, multiple submitters, no conflicts (2 of 4 stars). 4 submissions from 4 submitters: Pathogenic (3); Likely pathogenic (1). Last evaluated 2024-05-30.
ClinVar aggregate classification (somatic clinical impact): Tier I - Strong (1 of 4 stars; one submission).

Conditions:
Intellectual disability, X-linked 102 (MRXSSB). Also called: Intellectual developmental disorder, X-linked syndromic, Snijders Blok type. Identifiers: Orphanet 457260, MedGen C5393299, MONDO:0010497, OMIM 300958.
Inborn genetic diseases. Identifiers: MedGen C0950123, MeSH D030342.
Medulloblastoma WNT activated. Identifiers: MedGen C4331965, MONDO:0850196.

Submissions (5):

Institute for Genomic Medicine (IGM) Clinical Laboratory, Nationwide Children's Hospital
Classification: Tier I - Strong for Medulloblastoma WNT activated. Assertion type: diagnostic. Clinical significance: supports diagnosis. Last evaluated: 2024-10-11. Review status: criteria provided, single submitter. Criteria: AMP/ASCO/CAP Guidelines, 2017. Collection method: clinical testing. Allele origin: somatic. Affected: yes.
Comment: Variant has Tier I (strong) clinical significance as a diagnostic inclusion criterion in medulloblastoma WNT activated, based on the following evidence: 1) Documented in one or more cancer databases (e.g., St. Jude Pecan, COSMIC, CIViC, OncoKB). 2) Appears in one or more well-established professional guidelines (e.g., World Health Organization [WHO]; National Comprehensive Cancer Network [NCCN]) as providing diagnostic, prognostic, or therapeutic information. 3) Information in the literature supports potential biologic effect of variant (PMID: 33627125). 4) Diagnostic for a specific tumor type/classification based on well-powered studies with expert-level consensus (Evidence Level B; PMIDs: 27058758, 32553121, 33460649, 22722829).

Greenwood Genetic Center Diagnostic Laboratories, Greenwood Genetic Center
Classification: Pathogenic for Intellectual disability, X-linked 102. Last evaluated: 2024-05-30. Review status: criteria provided, single submitter. Criteria: ACMG Guidelines, 2015. Collection method: clinical testing. Allele origin: germline. Affected: yes.
Comment: PS2_Very Strong, PS4, PM2, PM5, PP2, PP3

Labcorp Genetics (formerly Invitae), Labcorp
Classification: Pathogenic. Last evaluated: 2024-04-05. Review status: criteria provided, single submitter. Criteria: Invitae Variant Classification Sherloc (09022015). Collection method: clinical testing. Allele origin: germline.
Comment: This sequence change replaces arginine, which is basic and polar, with cysteine, which is neutral and slightly polar, at codon 488 of the DDX3X protein (p.Arg488Cys). This variant is not present in population databases (gnomAD no frequency). This missense change has been observed in individual(s) with clinical features of DDX3X-related conditions (PMID: 30734472, 32135084, 33149276, 33504798; Invitae). In at least one individual the variant was observed to be de novo. ClinVar contains an entry for this variant (Variation ID: 207816). Experimental studies and prediction algorithms are not available or were not evaluated, and the functional significance of this variant is currently unknown. This variant disrupts the p.Arg488 amino acid residue in DDX3X. Other variant(s) that disrupt this residue have been determined to be pathogenic (PMID: 26235985). This suggests that this residue is clinically significant, and that variants that disrupt this residue are likely to be disease-causing. For these reasons, this variant has been classified as Pathogenic.

GeneDx
Classification: Pathogenic. Last evaluated: 2024-01-07. Review status: criteria provided, single submitter. Criteria: GeneDx Variant Classification Process June 2021. Collection method: clinical testing. Allele origin: germline. Affected: yes.
Comment: Not observed at significant frequency in large population cohorts (gnomAD); In silico analysis supports that this missense variant has a deleterious effect on protein structure/function; This variant is associated with the following publications: (PMID: 32135084, 33504798, 33149276, 30734472, 25533962, 26235985)

Ambry Genetics
Classification: Likely pathogenic for Inborn genetic diseases. Last evaluated: 2020-12-31. Review status: criteria provided, single submitter. Criteria: Ambry Variant Classification Scheme 2023. Collection method: clinical testing. Allele origin: germline.
Comment: The c.1462C>T (p.R488C) alteration is located in coding exon 13 of the DDX3X gene. This alteration results from a C to T substitution at nucleotide position 1462, causing the arginine (R) at amino acid position 488 to be replaced by a cysteine (C). Based on data from the Genome Aggregation Database (gnomAD), the DDX3X c.1462C>T alteration was not observed, with coverage at this position. This amino acid position is highly conserved in available vertebrate species. The p.R488C alteration is predicted to be deleterious by in silico analysis. Based on the available evidence, this alteration is classified as likely pathogenic.

Literature cited by the submitters: PubMed 33627125 (cited by Institute for Genomic Medicine (IGM) Clinical Laboratory, Nationwide Children's Hospital); PubMed 27058758 (cited by Institute for Genomic Medicine (IGM) Clinical Laboratory, Nationwide Children's Hospital); PubMed 32553121 (cited by Institute for Genomic Medicine (IGM) Clinical Laboratory, Nationwide Children's Hospital); PubMed 33460649 (cited by Institute for Genomic Medicine (IGM) Clinical Laboratory, Nationwide Children's Hospital); PubMed 22722829 (cited by Institute for Genomic Medicine (IGM) Clinical Laboratory, Nationwide Children's Hospital); PubMed 30734472 (cited by Labcorp Genetics (formerly Invitae), Labcorp); PubMed 32135084 (cited by Labcorp Genetics (formerly Invitae), Labcorp); PubMed 33149276 (cited by Labcorp Genetics (formerly Invitae), Labcorp); PubMed 33504798 (cited by Labcorp Genetics (formerly Invitae), Labcorp); PubMed 26235985 (cited by Labcorp Genetics (formerly Invitae), Labcorp and Ambry Genetics).